The following is an entry in ClinVar:

ClinVar aggregate classification (germline): Uncertain significance (1 of 4 stars; one submission).

Submission:

Labcorp Genetics (formerly Invitae), Labcorp
Classification: Uncertain significance. Last evaluated: 2024-04-22. Review status: criteria provided, single submitter. Criteria: Invitae Variant Classification Sherloc (09022015). Collection method: clinical testing. Allele origin: germline.
Comment: This sequence change replaces glutamine, which is neutral and polar, with histidine, which is basic and polar, at codon 246 of the CSF2RB protein (p.Gln246His). This variant is not present in population databases (gnomAD no frequency). This variant has not been reported in the literature in individuals affected with CSF2RB-related conditions. Advanced modeling of protein sequence and biophysical properties (such as structural, functional, and spatial information, amino acid conservation, physicochemical variation, residue mobility, and thermodynamic stability) performed at Invitae indicates that this missense variant is not expected to disrupt CSF2RB protein function with a negative predictive value of 80%. In summary, the available evidence is currently insufficient to determine the role of this variant in disease. Therefore, it has been classified as a Variant of Uncertain Significance.

NM_000395.3(CSF2RB):c.738G>C (p.Gln246His)

Gene: CSF2RB (colony stimulating factor 2 receptor subunit beta; plus strand). Cytogenetic location: 22q12.3.
Variant type: single nucleotide variant.
Coding change: c.738G>C on transcript NM_000395.3 (MANE Select); coding-DNA position 738, G replaced by C.
Protein change: p.Gln246His; replaces glutamine 246 with histidine.
Molecular consequence: missense variant.
Genome position (GRCh38, 1-based): chr22:36,930,394, G>C. VCF-style: chr22-36930394-G-C. GRCh37 (hg19) VCF-style: chr22-37326436-G-C.
Other names: c.738G>C, p.Gln246His (NM_001410827.1); short protein forms Q246H.
Identifiers: ClinVar variation 2818636 (VCV002818636.3), dbSNP rs2517992284, ClinGen allele CA411407307.